The following is an entry in ClinVar:

NM_001253852.3(AP4B1):c.1489C>T (p.Arg497Cys)

Genes: AP4B1 (adaptor related protein complex 4 subunit beta 1; minus strand), AP4B1-AS1 (AP4B1 antisense RNA 1; plus strand). Cytogenetic location: 1p13.2.
Variant type: single nucleotide variant.
Coding change: c.1489C>T on transcript NM_001253852.3 (MANE Select); coding-DNA position 1489, C replaced by T.
Protein change: p.Arg497Cys; replaces arginine 497 with cysteine.
Molecular consequence: missense variant.
Genome position (GRCh38, 1-based): chr1:113,896,279, G>A on the plus strand (C>T on the coding strand, the complement: AP4B1 is on the minus strand). VCF-style: chr1-113896279-G-A. GRCh37 (hg19) VCF-style: chr1-114438901-G-A.
Other names: c.1192C>T, p.Arg398Cys (NM_001253853.3); c.985C>T, p.Arg329Cys (NM_001308312.2); c.1489C>T, p.Arg497Cys (NM_006594.5); short protein forms R329C, R398C, R497C.
Identifiers: ClinVar variation 1344453 (VCV001344453.7), dbSNP rs756404463, ClinGen allele CA1015785.

ClinVar aggregate classification (germline): Uncertain significance. Review status: criteria provided, multiple submitters, no conflicts (2 of 4 stars). 4 submissions from 4 submitters: Uncertain significance (4). Last evaluated 2024-03-13.

Conditions:
Hereditary spastic paraplegia. Also called: Familial spastic paraparesis. Identifiers: Orphanet 685, MedGen C0037773, MONDO:0019064. Disease mechanism: loss of function.
Hereditary spastic paraplegia 47. Also called: CEREBRAL PALSY, SPASTIC QUADRIPLEGIC, 5; adaptor protein 4 (AP-4) deficiency syndrome; Spastic paraplegia 47, autosomal recessive. Identifiers: Orphanet 280763, MedGen C3279738, MONDO:0013551, OMIM 614066.

Allele frequency attached by ClinVar (database versions not stated): ExAC 0.00001; gnomAD exomes 0.00001 and 0.00002; gnomAD 0.00002; TOPMed 0.00003.

Submissions (4):

Blueprint Genetics
Classification: Uncertain significance. Last evaluated: 2024-03-13. Review status: criteria provided, single submitter. Criteria: ACMG Guidelines, 2015. Collection method: clinical testing. Allele origin: germline.

Genome-Nilou Lab
Classification: Uncertain significance for Hereditary spastic paraplegia 47. Last evaluated: 2023-04-11. Review status: criteria provided, single submitter. Criteria: ACMG Guidelines, 2015. Collection method: clinical testing. Allele origin: germline. Affected: no.

Labcorp Genetics (formerly Invitae), Labcorp
Classification: Uncertain significance for Hereditary spastic paraplegia 47. Last evaluated: 2022-05-30. Review status: criteria provided, single submitter. Criteria: Invitae Variant Classification Sherloc (09022015). Collection method: clinical testing. Allele origin: germline.
Comment: In summary, the available evidence is currently insufficient to determine the role of this variant in disease. Therefore, it has been classified as a Variant of Uncertain Significance. Algorithms developed to predict the effect of missense changes on protein structure and function are either unavailable or do not agree on the potential impact of this missense change (SIFT: "Deleterious"; PolyPhen-2: "Possibly Damaging"; Align-GVGD: "Class C15"). ClinVar contains an entry for this variant (Variation ID: 1344453). This variant has not been reported in the literature in individuals affected with AP4B1-related conditions. This variant is present in population databases (rs756404463, gnomAD 0.006%). This sequence change replaces arginine, which is basic and polar, with cysteine, which is neutral and slightly polar, at codon 497 of the AP4B1 protein (p.Arg497Cys).

Genome Diagnostics Laboratory, The Hospital for Sick Children
Classification: Uncertain significance for Hereditary spastic paraplegia. Last evaluated: 2020-10-01. Review status: criteria provided, single submitter. Criteria: ACMG Guidelines, 2015. Collection method: clinical testing. Allele origin: germline. Affected: yes.